The following is an entry in ClinVar:

ClinVar aggregate classification (germline): Uncertain significance. Review status: criteria provided, multiple submitters, no conflicts (2 of 4 stars). 2 submissions from 2 submitters: Uncertain significance (2). Last evaluated 2022-05-17.

Conditions:
Autosomal dominant osteopetrosis 1 (OPTA1). Also called: OSTEOPETROSIS, AUTOSOMAL DOMINANT, TYPE I. Identifiers: Orphanet 2783, MedGen C1843330, MONDO:0011877, OMIM 607634.
Exudative vitreoretinopathy 1 (EVR1). Also called: CRISWICK-SCHEPENS SYNDROME; FEVR, AUTOSOMAL DOMINANT; Familial exudative vitreoretinopathy, autosomal dominant. Identifiers: Orphanet 891, Orphanet 90050, MedGen C1851402, MONDO:0007589, OMIM 133780.
Osteoporosis. Identifiers: MedGen C0029456, MONDO:0005298, OMIM 166710, HP:0000939.
Polycystic liver disease 4 with or without kidney cysts. Identifiers: MedGen C4693479, MONDO:0044327, OMIM 617875.
Exudative vitreoretinopathy 4 (EVR4). Identifiers: Orphanet 891, MedGen C1866176, MONDO:0011151, OMIM 601813.
Osteoporosis with pseudoglioma (OPPG). Also called: osteoporosis-pseudoglioma syndrome. Identifiers: Orphanet 2788, MedGen C0432252, MONDO:0009820, OMIM 259770.
Bone mineral density quantitative trait locus 1 (BMND1). Identifiers: MedGen C1866079, OMIM 601884.
Worth disease. Also called: Autosomal dominant osteosclerosis, Worth type; ENDOSTEAL HYPEROSTOSIS, AUTOSOMAL DOMINANT; OSTEOSCLEROSIS, AUTOSOMAL DOMINANT. Identifiers: Orphanet 2790, MedGen C0432273, MONDO:0007764, OMIM 144750.

Allele frequency attached by ClinVar (database versions not stated): gnomAD 0.00001; gnomAD exomes 0.00001; TOPMed 0.00001.
gnomAD v4.1: 9 of 1,613,152 alleles (0.00056%); highest among the groups gnomAD compares: Non-Finnish European, 0.00076%; no homozygotes.

Submissions (2):

Fulgent Genetics
Classification: Uncertain significance for Exudative vitreoretinopathy 1; Worth disease; Osteoporosis; Osteoporosis with pseudoglioma; Exudative vitreoretinopathy 4; Bone mineral density quantitative trait locus 1; Autosomal dominant osteopetrosis 1; Polycystic liver disease 4 with or without kidney cysts. Last evaluated: 2022-05-17. Review status: criteria provided, single submitter. Criteria: ACMG Guidelines, 2015. Collection method: clinical testing. Allele origin: unknown.

Labcorp Genetics (formerly Invitae), Labcorp
Classification: Uncertain significance. Last evaluated: 2021-07-04. Review status: criteria provided, single submitter. Criteria: Invitae Variant Classification Sherloc (09022015). Collection method: clinical testing. Allele origin: germline.
Comment: This sequence change replaces alanine with glycine at codon 48 of the LRP5 protein (p.Ala48Gly). The alanine residue is highly conserved and there is a small physicochemical difference between alanine and glycine. This variant is not present in population databases (ExAC no frequency). This variant has not been reported in the literature in individuals affected with LRP5-related conditions. Advanced modeling of protein sequence and biophysical properties (such as structural, functional, and spatial information, amino acid conservation, physicochemical variation, residue mobility, and thermodynamic stability) performed at Invitae indicates that this missense variant is not expected to disrupt LRP5 protein function. In summary, the available evidence is currently insufficient to determine the role of this variant in disease. Therefore, it has been classified as a Variant of Uncertain Significance.

NM_002335.4(LRP5):c.143C>G (p.Ala48Gly)

Gene: LRP5 (LDL receptor related protein 5; plus strand). Cytogenetic location: 11q13.2.
Variant type: single nucleotide variant.
Coding change: c.143C>G on transcript NM_002335.4 (MANE Select); coding-DNA position 143, C replaced by G.
Protein change: p.Ala48Gly; replaces alanine 48 with glycine.
Molecular consequence: missense variant. On other transcripts: 5 prime UTR variant (1).
Genome position (GRCh38, 1-based): chr11:68,347,898, C>G. VCF-style: chr11-68347898-C-G. GRCh37 (hg19) VCF-style: chr11-68115366-C-G.
Other names: c.-1623C>G (NM_001291902.2); short protein forms A48G.
Identifiers: ClinVar variation 1468179 (VCV001468179.9), dbSNP rs2098614549, ClinGen allele CA381610155.